The following is an entry in ClinVar:

ClinVar aggregate classification (germline): Uncertain significance (1 of 4 stars; one submission).

Conditions:
SHORT syndrome. Also called: SHORT STATURE, HYPEREXTENSIBILITY, HERNIA, OCULAR DEPRESSION, RIEGER ANOMALY, AND TEETHING DELAY; PIK3R1-Related SHORT Syndrome; LIPODYSTROPHY, PARTIAL, WITH RIEGER ANOMALY AND SHORT STATURE. Identifiers: Orphanet 3163, MedGen C0878684, MONDO:0010026, OMIM 269880.
Agammaglobulinemia 7, autosomal recessive (AGM7). Also called: AGAMMAGLOBULINEMIA, AUTOSOMAL RECESSIVE, DUE TO PIK3R1 DEFECT. Identifiers: MedGen C3554689, MONDO:0014083, OMIM 615214.
Immunodeficiency 36 with lymphoproliferation. Also called: Immunodeficiency 36; ACTIVATED PI3K-DELTA SYNDROME 2; Activated PI3K Delta Syndrome Type 2 (APDS2). Identifiers: Orphanet 397596, Orphanet 693681, MedGen C4014934, MONDO:0014453, OMIM 616005.

Submission:

Juno Genomics, Hangzhou Juno Genomics, Inc
Classification: Uncertain significance for Agammaglobulinemia 7, autosomal recessive; SHORT syndrome; Immunodeficiency 36 with lymphoproliferation. Review status: criteria provided, single submitter. Criteria: ACMG Guidelines, 2015. Collection method: clinical testing. Allele origin: germline.
Comment: Absent from controls (or at extremely low frequency if recessive) in Genome Aggregation Database.;Missense variant in a gene that has a low rate of benign missense variation.;Multiple lines of computational evidence suggest no impact on gene or gene product.

NM_181523.3(PIK3R1):c.277C>T (p.Arg93Trp)

Gene: PIK3R1 (phosphoinositide-3-kinase regulatory subunit 1; plus strand). Cytogenetic location: 5q13.1.
Variant type: single nucleotide variant.
Coding change: c.277C>T on transcript NM_181523.3 (MANE Select); coding-DNA position 277, C replaced by T.
Protein change: p.Arg93Trp; replaces arginine 93 with tryptophan.
Molecular consequence: missense variant.
Genome position (GRCh38, 1-based): chr5:68,226,952, C>T. VCF-style: chr5-68226952-C-T. GRCh37 (hg19) VCF-style: chr5-67522780-C-T.
Other names: short protein forms R93W.
Identifiers: ClinVar variation 5019502 (VCV005019502.2).